The following is an entry in ClinVar:

ClinVar aggregate classification (germline): Uncertain significance (1 of 4 stars; one submission).

Allele frequency attached by ClinVar (database versions not stated): gnomAD exomes 0.00005.
gnomAD v4.1: 28 of 1,613,998 alleles (0.0017%); highest among the groups gnomAD compares: Non-Finnish European, 0.0024%; 1 homozygote.

Submission:

Ambry Genetics
Classification: Uncertain significance. Last evaluated: 2020-11-13. Review status: criteria provided, single submitter. Criteria: Ambry Variant Classification Scheme 2023. Collection method: clinical testing. Allele origin: germline.
Comment: The p.D1164H variant (also known as c.3490G>C), located in coding exon 32 of the IKBKAP gene, results from a G to C substitution at nucleotide position 3490. The aspartic acid at codon 1164 is replaced by histidine, an amino acid with similar properties. This amino acid position is well conserved in available vertebrate species. In addition, the in silico prediction for this alteration is inconclusive. Since supporting evidence is limited at this time, the clinical significance of this alteration remains unclear.

NM_003640.5(ELP1):c.3490G>C (p.Asp1164His)

Gene: ELP1 (elongator acetyltransferase complex subunit 1; minus strand). Cytogenetic location: 9q31.3.
Variant type: single nucleotide variant.
Coding change: c.3490G>C on transcript NM_003640.5 (MANE Select); coding-DNA position 3490, G replaced by C.
Protein change: p.Asp1164His; replaces aspartic acid 1164 with histidine.
Molecular consequence: missense variant.
Genome position (GRCh38, 1-based): chr9:108,879,528, C>G on the plus strand (G>C on the coding strand, the complement: ELP1 is on the minus strand). VCF-style: chr9-108879528-C-G. GRCh37 (hg19) VCF-style: chr9-111641808-C-G.
Other names: c.3148G>C, p.Asp1050His (NM_001318360.2); c.2443G>C, p.Asp815His (NM_001330749.2); short protein forms D1050H, D1164H, D815H.
Identifiers: ClinVar variation 1800183 (VCV001800183.2), dbSNP rs1198624688, ClinGen allele CA374411910.
Genomic context (GRCh38, chr9:108,879,528, plus strand): 5'-GGGAGTATTTGCCACTCATCTCACTGCCACTCACGACACTGCTAGTTTCAGAGAAGAGGT[C>G]TGACTCTTGCCCGTGGGGTACCTCATCATCTAGAAAAGAAGAACCAGAAGCCGATGAAAA-3'
Protein context (NP_003631.2, residues 1154-1174): DDEVPHGQES[Asp1164His]LFSETSSVVS